The following is an entry in ClinVar:

ClinVar aggregate classification (germline): Benign (1 of 4 stars; one submission).

Allele frequency attached by ClinVar (database versions not stated): gnomAD 0.03566 and 0.03811; TOPMed 0.04064; 1000 Genomes Project 0.04213; 1000 Genomes Project 30x 0.04622.
gnomAD v4.1: 5,369 of 152,096 alleles (3.5%); highest among the groups gnomAD compares: African/African-American, 12%; 327 homozygotes.

Submission:

GeneDx
Classification: Benign. Last evaluated: 2018-06-14. Review status: criteria provided, single submitter. Criteria: GeneDx Variant Classification (06012015). Collection method: clinical testing. Allele origin: germline. Affected: yes.
Comment: This variant is considered likely benign or benign based on one or more of the following criteria: it is a conservative change, it occurs at a poorly conserved position in the protein, it is predicted to be benign by multiple in silico algorithms, and/or has population frequency not consistent with disease.

NM_006939.4(SOS2):c.2958+209G>A

Gene: SOS2 (SOS Ras/Rho guanine nucleotide exchange factor 2; minus strand). Cytogenetic location: 14q21.3.
Variant type: single nucleotide variant.
Coding change: c.2958+209G>A on transcript NM_006939.4 (MANE Select); 209 bases into the intron after coding-DNA position 2958, G replaced by A.
Molecular consequence: intron variant.
Genome position (GRCh38, 1-based): chr14:50,138,403, C>T on the plus strand (G>A on the coding strand, the complement: SOS2 is on the minus strand). VCF-style: chr14-50138403-C-T. GRCh37 (hg19) VCF-style: chr14-50605121-C-T.
Identifiers: ClinVar variation 561652 (VCV000561652.1), dbSNP rs142022441, ClinGen allele CA260719086.